The following is an entry in ClinVar:

NM_001122955.4(BSCL2):c.448G>A (p.Val150Ile)

Genes: BSCL2 (BSCL2 lipid droplet biogenesis associated, seipin; minus strand), HNRNPUL2-BSCL2 (HNRNPUL2-BSCL2 readthrough (NMD candidate); minus strand). Cytogenetic location: 11q12.3.
Variant type: single nucleotide variant.
Coding change: c.448G>A on transcript NM_001122955.4 (MANE Select); coding-DNA position 448, G replaced by A.
Protein change: p.Val150Ile; replaces valine 150 with isoleucine.
Molecular consequence: missense variant. On other transcripts: non-coding transcript variant (1).
Genome position (GRCh38, 1-based): chr11:62,702,506, C>T on the plus strand (G>A on the coding strand, the complement: BSCL2 is on the minus strand). VCF-style: chr11-62702506-C-T. GRCh37 (hg19) VCF-style: chr11-62469978-C-T.
Other names: c.256G>A, p.Val86Ile (NM_001130702.2, NM_032667.6); c.448G>A, p.Val150Ile (NM_001386027.1, NM_001386028.1); c.448G>A (NM_001122955.3); short protein forms V150I, V86I.
Identifiers: ClinVar variation 246599 (VCV000246599.64), dbSNP rs149412531, ClinGen allele CA6053569.
Genomic context (GRCh38, chr11:62,702,506, plus strand): 5'-TCTCTCTAGTTCCCATACTCACCCGATCACGTCCACCCTTAGTCAGCGAGACATTGGCAA[C>T]AGGGAAGGAGCAGAGTGAGGTGGTGGAGGAATCACAGTCGGTCCTAAATGAGATTGGAGG-3'
Protein context (NP_001116427.1, residues 140-160): SSTTSLCSFP[Val150Ile]ANVSLTKGGR

ClinVar aggregate classification (germline): Conflicting classifications of pathogenicity. Review status: criteria provided, conflicting classifications (1 of 4 stars). 8 submissions from 7 submitters: Uncertain significance (5); Benign (1); Likely benign (2). Last evaluated 2026-01-28.

Conditions:
Inborn genetic diseases. Identifiers: MedGen C0950123, MeSH D030342.
Neuronopathy, distal hereditary motor, type 5A (HMND5). Also called: DHMN VA; Distal Spinal Muscular Atrophy V; Distal Spinal Muscular Atrophy V (dSMA-V); NEURONOPATHY, DISTAL HEREDITARY MOTOR, AUTOSOMAL DOMINANT 5. Identifiers: Orphanet 139536, MedGen CN031873, MONDO:0015353, OMIM 600794.
Congenital generalized lipodystrophy type 2 (CGL2). Also called: SEIP SYNDROME; BERARDINELLI SYNDROME; BRUNZELL SYNDROME, BSCL2-RELATED; Berardinelli-Seip Congenital Lipodystrophy Type 2. Identifiers: Orphanet 528, Orphanet 696289, MedGen C1720863, MONDO:0010020, OMIM 269700.
Charcot-Marie-Tooth disease type 2. Also called: Charcot-Marie-Tooth type 2. Identifiers: Orphanet 64746, MedGen C0270914, MONDO:0018993.
Lipodystrophy. Also called: Lipodystrophy (disease). Identifiers: MedGen C0023787, MONDO:0006573, HP:0009125.

Allele frequency attached by ClinVar (database versions not stated): ESP Exome Variant Server 0.00008; gnomAD 0.00011 and 0.00013; TOPMed 0.00011; gnomAD exomes 0.00014 and 0.00038; ExAC 0.00026.

Submissions (8):

Labcorp Genetics (formerly Invitae), Labcorp
Classification: Benign for Charcot-Marie-Tooth disease type 2. Last evaluated: 2026-01-28. Review status: criteria provided, single submitter. Criteria: Invitae Variant Classification Sherloc (09022015). Collection method: clinical testing. Allele origin: germline.

CeGaT Center for Human Genetics Tuebingen
Classification: Likely benign. Last evaluated: 2025-02-01. Review status: criteria provided, single submitter. Criteria: CeGaT Center For Human Genetics Tuebingen Variant Classification Criteria Version 2. Collection method: clinical testing. Allele origin: germline. Affected: yes. Observed: 2 variant alleles.
Comment: BSCL2: BP4

Ambry Genetics
Classification: Likely benign for Inborn genetic diseases. Last evaluated: 2023-10-06. Review status: criteria provided, single submitter. Criteria: Ambry Variant Classification Scheme 2023. Collection method: clinical testing. Allele origin: germline.

GeneDx
Classification: Uncertain significance. Last evaluated: 2022-04-21. Review status: criteria provided, single submitter. Criteria: GeneDx Variant Classification Process June 2021. Collection method: clinical testing. Allele origin: germline. Affected: yes.
Comment: In silico analysis supports that this missense variant does not alter protein structure/function; Has not been previously published as pathogenic or benign to our knowledge

New York Genome Center
Classification: Uncertain significance for Congenital generalized lipodystrophy type 2. Last evaluated: 2022-03-31. Review status: criteria provided, single submitter. Criteria: NYGC Assertion Criteria 2020. Collection method: clinical testing. Allele origin: germline. Observed: 3 heterozygotes. Clinical features observed: Type 2 diabetes mellitus (HP:0005978), Hepatic steatosis (HP:0001397), Hyperlipidemia (HP:0003077).

Department of Pathology and Laboratory Medicine, Sinai Health System
Classification: Uncertain significance for lipodystrophy. Last evaluated: 2021-07-30. Review status: criteria provided, single submitter. Criteria: ACMG Guidelines, 2015. Collection method: research. Allele origin: germline.

Illumina Laboratory Services, Illumina
Classification: Uncertain significance for Neuronopathy, distal hereditary motor, type 5A. Last evaluated: 2018-01-12. Review status: criteria provided, single submitter. Criteria: ICSL Variant Classification Criteria 13 December 2019. Collection method: clinical testing. Allele origin: germline.

Illumina Laboratory Services, Illumina
Classification: Uncertain significance for Congenital generalized lipodystrophy type 2. Last evaluated: 2018-01-12. Review status: criteria provided, single submitter. Criteria: ICSL Variant Classification Criteria 13 December 2019. Collection method: clinical testing. Allele origin: germline.